The following is an entry in ClinVar:

NM_000263.4(NAGLU):c.1004A>G (p.Tyr335Cys)

Gene: NAGLU (N-acetyl-alpha-glucosaminidase; plus strand). Cytogenetic location: 17q21.2.
Variant type: single nucleotide variant.
Coding change: c.1004A>G on transcript NM_000263.4 (MANE Select); coding-DNA position 1004, A replaced by G.
Protein change: p.Tyr335Cys; replaces tyrosine 335 with cysteine.
Molecular consequence: missense variant.
Genome position (GRCh38, 1-based): chr17:42,541,189, A>G. VCF-style: chr17-42541189-A-G. GRCh37 (hg19) VCF-style: chr17-40693207-A-G.
Other names: short protein forms Y335C.
Identifiers: ClinVar variation 557047 (VCV000557047.17), dbSNP rs768918822, ClinGen allele CA290778820.

ClinVar aggregate classification (germline): Pathogenic/Likely pathogenic. Review status: criteria provided, multiple submitters, no conflicts (2 of 4 stars). 6 submissions from 6 submitters: Pathogenic (3); Likely pathogenic (2). 1 of the submissions does not count toward it. Last evaluated 2025-06-23.

Conditions:
Mucopolysaccharidosis, MPS-III-B (MPS3B). Also called: Mucopolysaccharidosis type IIIB (Sanfilippo B); SANFILIPPO SYNDROME B; MPS IIIB (Sanfilippo Syndrome Type B); N-ACETYL-ALPHA-D-GLUCOSAMINIDASE DEFICIENCY; NAGLU DEFICIENCY; MPS III B. Identifiers: Orphanet 79270, MedGen C0086648, MONDO:0009656, OMIM 252920.
Charcot-Marie-Tooth disease axonal type 2V. Also called: CHARCOT-MARIE-TOOTH NEUROPATHY, TYPE 2V; CHARCOT-MARIE-TOOTH DISEASE, AXONAL, AUTOSOMAL DOMINANT, TYPE 2V. Identifiers: Orphanet 447964, MedGen C5569050, MONDO:0014665, OMIM 616491.

Allele frequency attached by ClinVar (database versions not stated): gnomAD exomes below 0.00001 and 0.00001; gnomAD 0.00001; TOPMed 0.00002.

Submissions (6):

Victorian Clinical Genetics Services, Murdoch Childrens Research Institute
Classification: Pathogenic for Mucopolysaccharidosis, MPS-III-B. Last evaluated: 2025-06-23. Review status: criteria provided, single submitter. Criteria: ACMG Guidelines, 2015. Collection method: clinical testing. Allele origin: germline. Affected: yes.
Comment: This variant is classified as Pathogenic. Evidence in support of pathogenic classification: Variant is present in gnomAD <0.01 for a recessive condition (v4: 11 heterozygote(s), 0 homozygote(s)); This variant has strong previous evidence of pathogenicity in unrelated individuals. This variant has been classified as pathogenic by clinical laboratories in ClinVar and reported in the literature in homozygous and compound heterozygous individuals with mucopolysaccharidosis type IIIB (Sanfilippo B) or NAGLU-related features (PMID: 30070758, 16151907, 33763395); This variant has moderate functional evidence supporting abnormal protein function. This variant was shown to decrease NAGLU activity, compared to the wildtype, in CHO cells (PMID: 16151907); Another missense variant(s) comparable to the one identified in this case has moderate previous evidence for pathogenicity. p.(Tyr335Ser) has been classified as likely pathogenic by clinical laboratories in ClinVar and reported in the literature in an individual with MPS IIIB (PMID: 36468061); Missense variant predicted to be damaging by in silico tool(s) or highly conserved with a major amino acid change; Heterozygous variant detected in trans with a second PATHOGENIC heterozygous variant, NM_000263.4(NAGLU):c.889C>T; p.(Arg297*), in a recessive disease. Additional information: Variant is predicted to result in a missense amino acid change from tyrosine to cysteine; This variant is heterozygous; This gene is associated with both recessive and dominant disease; however, the dominant association to CMT is not well established (PanelApp, OMIM); Variant is located in the annotated alpha-N-acetylglucosaminidase (NAGLU) tim-barrel domain (DECIPHER); Loss of function is a known mechanism of disease in this gene and is associated with Mucopolysaccharidosis type IIIB (Sanfilippo B) (MIM#252920). The mechanism for Charcot-Marie-Tooth disease, axonal, type 2V (CMT; MIM#616491) is unclear.

Natera, Inc.
Classification: Likely pathogenic for Mucopolysaccharidosis type IIIB. Last evaluated: 2024-12-23. Review status: criteria provided, single submitter. Criteria: Natera Variant Classification Schema (03/2026). Collection method: clinical testing. Allele origin: germline.
Comment: The c.1004A>G variant in NAGLU is a missense variant predicted to cause substitution of tyrosine to cysteine at amino acid 335. This variant is rare in the general population with a frequency below the threshold expected for the associated phenotype(s). This variant has been observed in one or more individuals affected with the associated recessive disease, as either homozygous or compound heterozygous with a second variant (PMID: 33763395, 16151907). Functional studies show that this variant may disrupt protein function (PMID: 16151907). Computational prediction algorithms indicate this variant is likely to affect gene or protein function. Given the available evidence, this variant is classified as Likely Pathogenic.

Labcorp Genetics (formerly Invitae), Labcorp
Classification: Pathogenic for Charcot-Marie-Tooth disease axonal type 2V; Mucopolysaccharidosis, MPS-III-B. Last evaluated: 2024-10-24. Review status: criteria provided, single submitter. Criteria: Invitae Variant Classification Sherloc (09022015). Collection method: clinical testing. Allele origin: germline.
Comment: This sequence change replaces tyrosine, which is neutral and polar, with cysteine, which is neutral and slightly polar, at codon 335 of the NAGLU protein (p.Tyr335Cys). This variant is present in population databases (rs768918822, gnomAD 0.004%). This missense change has been observed in individual(s) with NAGLU-related conditions (PMID: 16151907, 30070758, 33763395). ClinVar contains an entry for this variant (Variation ID: 557047). Invitae Evidence Modeling of protein sequence and biophysical properties (such as structural, functional, and spatial information, amino acid conservation, physicochemical variation, residue mobility, and thermodynamic stability) has been performed for this missense variant. However, the output from this modeling did not meet the statistical confidence thresholds required to predict the impact of this variant on NAGLU protein function. Experimental studies have shown that this missense change affects NAGLU function (PMID: 16151907). This variant disrupts the p.Tyr335 amino acid residue in NAGLU. Other variant(s) that disrupt this residue have been determined to be pathogenic (internal data). This suggests that this residue is clinically significant, and that variants that disrupt this residue are likely to be disease-causing. For these reasons, this variant has been classified as Pathogenic.

GeneDx
Classification: Pathogenic. Last evaluated: 2023-07-31. Review status: criteria provided, single submitter. Criteria: GeneDx Variant Classification Process June 2021. Collection method: clinical testing. Allele origin: germline. Affected: yes.
Comment: Published functional studies demonstrate significantly reduced enzyme activity (Beesley et al., 2005); Not observed at significant frequency in large population cohorts (gnomAD); This variant is associated with the following publications: (PMID: 16151907, 33763395, 30070758)

Juno Genomics, Hangzhou Juno Genomics, Inc
Classification: Likely pathogenic for Mucopolysaccharidosis, MPS-III-B. Review status: criteria provided, single submitter. Criteria: ACMG Guidelines, 2015. Collection method: clinical testing. Allele origin: germline.
Comment: Absent from controls (or at extremely low frequency if recessive) in Genome Aggregation Database.;Well-established in vitro or in vivo functional studies supportive of a damaging effect on the gene or gene product.;For recessive disorders, detected in trans with a pathogenic variant.;Patient's phenotype or family history is highly specific for a disease with a single genetic etiology.

Counsyl
Classification: Uncertain significance for Mucopolysaccharidosis, MPS-III-B. Last evaluated: 2018-03-07. Review status: no assertion criteria provided. Collection method: clinical testing. Allele origin: unknown. Not counted in ClinVar's aggregate classification.

Literature cited by the submitters: PubMed 33763395 (cited by 3 submitters); PubMed 16151907 (cited by 4 submitters); PubMed 36468061 (cited by Victorian Clinical Genetics Services, Murdoch Childrens Research Institute); PubMed 30070758 (cited by Victorian Clinical Genetics Services, Murdoch Childrens Research Institute and Labcorp Genetics (formerly Invitae), Labcorp).